The following is an entry in ClinVar:

NM_001127898.4(CLCN5):c.1073C>T (p.Ala358Val)

Gene: CLCN5 (chloride voltage-gated channel 5; plus strand). Cytogenetic location: Xp11.23.
Variant type: single nucleotide variant.
Coding change: c.1073C>T on transcript NM_001127898.4 (MANE Select); coding-DNA position 1073, C replaced by T.
Protein change: p.Ala358Val; replaces alanine 358 with valine.
Molecular consequence: missense variant.
Genome position (GRCh38, 1-based): chrX:50,086,386, C>T. VCF-style: chrX-50086386-C-T. GRCh37 (hg19) VCF-style: chrX-49851043-C-T.
Other names: c.863C>T, p.Ala288Val (NM_000084.5); c.1073C>T, p.Ala358Val (NM_001127899.4); c.923C>T, p.Ala308Val (NM_001282163.2); short protein forms A288V, A358V, A308V.
Identifiers: ClinVar variation 3666093 (VCV003666093.2).

ClinVar aggregate classification (germline): Uncertain significance (1 of 4 stars; one submission).

Submission:

Labcorp Genetics (formerly Invitae), Labcorp
Classification: Uncertain significance. Last evaluated: 2024-12-24. Review status: criteria provided, single submitter. Criteria: Invitae Variant Classification Sherloc (09022015). Collection method: clinical testing. Allele origin: germline.
Comment: This sequence change replaces alanine, which is neutral and non-polar, with valine, which is neutral and non-polar, at codon 288 of the CLCN5 protein (p.Ala288Val). This variant is not present in population databases (gnomAD no frequency). This variant has not been reported in the literature in individuals affected with CLCN5-related conditions. Invitae Evidence Modeling of protein sequence and biophysical properties (such as structural, functional, and spatial information, amino acid conservation, physicochemical variation, residue mobility, and thermodynamic stability) indicates that this missense variant is expected to disrupt CLCN5 protein function with a positive predictive value of 80%. In summary, the available evidence is currently insufficient to determine the role of this variant in disease. Therefore, it has been classified as a Variant of Uncertain Significance.